The following is an entry in ClinVar:

ClinVar aggregate classification (germline): Uncertain significance (1 of 4 stars; one submission).

Allele frequency attached by ClinVar (database versions not stated): gnomAD exomes below 0.00001; ExAC 0.00001.
gnomAD v4.1: 3 of 1,611,538 alleles (0.00019%); highest among the groups gnomAD compares: Non-Finnish European, 0.00025%; no homozygotes.

Submission:

Labcorp Genetics (formerly Invitae), Labcorp
Classification: Uncertain significance. Last evaluated: 2022-04-29. Review status: criteria provided, single submitter. Criteria: Invitae Variant Classification Sherloc (09022015). Collection method: clinical testing. Allele origin: germline.
Comment: This variant has not been reported in the literature in individuals affected with SLC25A32-related conditions. Algorithms developed to predict the effect of missense changes on protein structure and function (SIFT, PolyPhen-2, Align-GVGD) all suggest that this variant is likely to be tolerated. In summary, the available evidence is currently insufficient to determine the role of this variant in disease. Therefore, it has been classified as a Variant of Uncertain Significance. This variant is present in population databases (rs753536207, gnomAD 0.0009%). This sequence change replaces tyrosine, which is neutral and polar, with histidine, which is basic and polar, at codon 109 of the SLC25A32 protein (p.Tyr109His).

NM_030780.5(SLC25A32):c.325T>C (p.Tyr109His)

Gene: SLC25A32 (solute carrier family 25 member 32; minus strand). Cytogenetic location: 8q22.3.
Variant type: single nucleotide variant.
Coding change: c.325T>C on transcript NM_030780.5 (MANE Select); coding-DNA position 325, T replaced by C.
Protein change: p.Tyr109His; replaces tyrosine 109 with histidine.
Molecular consequence: missense variant. On other transcripts: non-coding transcript variant (1).
Genome position (GRCh38, 1-based): chr8:103,404,842, A>G on the plus strand (T>C on the coding strand, the complement: SLC25A32 is on the minus strand). VCF-style: chr8-103404842-A-G. GRCh37 (hg19) VCF-style: chr8-104417070-A-G.
Other names: short protein forms Y109H.
Identifiers: ClinVar variation 1955750 (VCV001955750.5), dbSNP rs753536207, ClinGen allele CA4835509.
Genomic context (GRCh38, chr8:103,404,842, plus strand): 5'-CAGCAGCTGAGACAAGGTATTCTGTTGCCTCTAAACGTTCAGCTCTTCCTTCTGTTTTAT[A>G]TGACTTGATGGCATTGTAACTAAAAGAATTAAATGTGAGCAGTTTAATTTGAATAGGTGT-3'
Protein context (NP_110407.2, residues 99-119): YFFFYNAIKS[Tyr109His]KTEGRAERLE